The following is an entry in ClinVar:

ClinVar aggregate classification (germline): Uncertain significance. Review status: criteria provided, multiple submitters, no conflicts (2 of 4 stars). 2 submissions from 2 submitters: Uncertain significance (2). Last evaluated 2023-11-21.

Conditions:
Charcot-Marie-Tooth disease type 2. Also called: Charcot-Marie-Tooth type 2. Identifiers: Orphanet 64746, MedGen C0270914, MONDO:0018993.

Allele frequency attached by ClinVar (database versions not stated): gnomAD exomes 0.00001 and below 0.00001; TOPMed 0.00001; ExAC 0.00001.
gnomAD v4.1: 6 of 1,611,322 alleles (0.00037%); highest among the groups gnomAD compares: Admixed American, 0.0017%; no homozygotes.

Submissions (2):

Labcorp Genetics (formerly Invitae), Labcorp
Classification: Uncertain significance for Charcot-Marie-Tooth disease type 2. Last evaluated: 2023-11-21. Review status: criteria provided, single submitter. Criteria: Invitae Variant Classification Sherloc (09022015). Collection method: clinical testing. Allele origin: germline.
Comment: This sequence change replaces arginine, which is basic and polar, with glutamine, which is neutral and polar, at codon 98 of the BSCL2 protein (p.Arg98Gln). This variant is present in population databases (rs768780378, gnomAD 0.003%). This variant has not been reported in the literature in individuals affected with BSCL2-related conditions. ClinVar contains an entry for this variant (Variation ID: 1438242). An algorithm developed to predict the effect of missense changes on protein structure and function (PolyPhen-2) suggests that this variant is likely to be tolerated. In summary, the available evidence is currently insufficient to determine the role of this variant in disease. Therefore, it has been classified as a Variant of Uncertain Significance.

Women's Health and Genetics/Laboratory Corporation of America, LabCorp
Classification: Uncertain significance. Last evaluated: 2023-01-09. Review status: criteria provided, single submitter. Criteria: LabCorp Variant Classification Summary - May 2015. Collection method: clinical testing. Allele origin: germline.
Comment: Variant summary: BSCL2 c.293G>A (p.Arg98Gln) results in a conservative amino acid change in the encoded protein sequence. Four of five in-silico tools predict a benign effect of the variant on protein function. 4/4 computational tools predict no significant impact on normal splicing. However, these predictions have yet to be confirmed by functional studies. The variant allele was found at a frequency of 8e-06 in 251216 control chromosomes (gnomAD). The available data on variant occurrences in the general population are insufficient to allow any conclusion about variant significance. To our knowledge, no occurrence of c.293G>A in individuals affected with BSCL2-Related Disorders and no experimental evidence demonstrating its impact on protein function have been reported. One clinical diagnostic laboratory has submitted clinical-significance assessments for this variant to ClinVar after 2014 without evidence for independent evaluation and classified the variant as uncertain significance. Based on the evidence outlined above, the variant was classified as uncertain significance.

NM_001122955.4(BSCL2):c.485G>A (p.Arg162Gln)

Genes: BSCL2 (BSCL2 lipid droplet biogenesis associated, seipin; minus strand), HNRNPUL2-BSCL2 (HNRNPUL2-BSCL2 readthrough (NMD candidate); minus strand). Cytogenetic location: 11q12.3.
Variant type: single nucleotide variant.
Coding change: c.485G>A on transcript NM_001122955.4 (MANE Select); coding-DNA position 485, G replaced by A.
Protein change: p.Arg162Gln; replaces arginine 162 with glutamine.
Molecular consequence: missense variant. On other transcripts: non-coding transcript variant (1).
Genome position (GRCh38, 1-based): chr11:62,702,469, C>T on the plus strand (G>A on the coding strand, the complement: BSCL2 is on the minus strand). VCF-style: chr11-62702469-C-T. GRCh37 (hg19) VCF-style: chr11-62469941-C-T.
Other names: c.293G>A, p.Arg98Gln (NM_001130702.2, NM_032667.6); c.485G>A, p.Arg162Gln (NM_001386027.1, NM_001386028.1); short protein forms R162Q, R98Q.
Identifiers: ClinVar variation 1438242 (VCV001438242.8), dbSNP rs768780378, ClinGen allele CA6053562.